The following is an entry in ClinVar:

ClinVar aggregate classification (germline): Uncertain significance (1 of 4 stars; one submission).

Submission:

Labcorp Genetics (formerly Invitae), Labcorp
Classification: Uncertain significance. Last evaluated: 2026-02-02. Review status: criteria provided, single submitter. Criteria: Invitae Variant Classification Sherloc (09022015). Collection method: clinical testing. Allele origin: germline.
Comment: This sequence change replaces leucine, which is neutral and non-polar, with phenylalanine, which is neutral and non-polar, at codon 307 of the COL11A2 protein (p.Leu307Phe). This variant is not present in population databases (gnomAD no frequency). This variant has not been reported in the literature in individuals affected with COL11A2-related conditions. ClinVar contains an entry for this variant (Variation ID: 1951949). Invitae Evidence Modeling of protein sequence and biophysical properties (such as structural, functional, and spatial information, amino acid conservation, physicochemical variation, residue mobility, and thermodynamic stability) indicates that this missense variant is not expected to disrupt COL11A2 protein function with a negative predictive value of 95%. In summary, the available evidence is currently insufficient to determine the role of this variant in disease. Therefore, it has been classified as a Variant of Uncertain Significance.

NM_080680.3(COL11A2):c.919C>T (p.Leu307Phe)

Gene: COL11A2 (collagen type XI alpha 2 chain; minus strand). Cytogenetic location: 6p21.32.
Variant type: single nucleotide variant.
Coding change: c.919C>T on transcript NM_080680.3 (MANE Select); coding-DNA position 919, C replaced by T.
Protein change: p.Leu307Phe; replaces leucine 307 with phenylalanine.
Molecular consequence: missense variant. On other transcripts: intron variant (1).
Genome position (GRCh38, 1-based): chr6:33,185,012, G>A on the plus strand (C>T on the coding strand, the complement: COL11A2 is on the minus strand). VCF-style: chr6-33185012-G-A. GRCh37 (hg19) VCF-style: chr6-33152789-G-A.
Other names: c.841C>T, p.Leu281Phe (NM_080681.3); c.798+1615C>T (NM_080679.3); short protein forms L281F, L307F.
Identifiers: ClinVar variation 1951949 (VCV001951949.5), dbSNP rs1490717876, ClinGen allele CA363609429.